The following is an entry in ClinVar:

NM_000981.4(RPL19):c.346G>A (p.Asp116Asn)

Gene: RPL19 (ribosomal protein L19; plus strand). Cytogenetic location: 17q12.
Variant type: single nucleotide variant.
Coding change: c.346G>A on transcript NM_000981.4 (MANE Select); coding-DNA position 346, G replaced by A.
Protein change: p.Asp116Asn; replaces aspartic acid 116 with asparagine.
Molecular consequence: missense variant.
Genome position (GRCh38, 1-based): chr17:39,203,099, G>A. VCF-style: chr17-39203099-G-A. GRCh37 (hg19) VCF-style: chr17-37359352-G-A.
Other names: c.340G>A, p.Asp114Asn (NM_001330200.1); short protein forms D116N, D114N.
Identifiers: ClinVar variation 3016807 (VCV003016807.3), dbSNP rs2046301881, ClinGen allele CA398835899.

ClinVar aggregate classification (germline): Uncertain significance (1 of 4 stars; one submission).

Allele frequency attached by ClinVar (database versions not stated): gnomAD exomes below 0.00001.
gnomAD v4.1: 2 of 1,612,828 alleles (0.00012%); highest among the groups gnomAD compares: Non-Finnish European, 0.00017%; no homozygotes.

Submission:

Labcorp Genetics (formerly Invitae), Labcorp
Classification: Uncertain significance. Last evaluated: 2022-11-07. Review status: criteria provided, single submitter. Criteria: Invitae Variant Classification Sherloc (09022015). Collection method: clinical testing. Allele origin: germline.
Comment: This variant is not present in population databases (gnomAD no frequency). This sequence change replaces aspartic acid, which is acidic and polar, with asparagine, which is neutral and polar, at codon 116 of the RPL19 protein (p.Asp116Asn). This variant has not been reported in the literature in individuals affected with RPL19-related conditions. In summary, the available evidence is currently insufficient to determine the role of this variant in disease. Therefore, it has been classified as a Variant of Uncertain Significance. Algorithms developed to predict the effect of missense changes on protein structure and function are either unavailable or do not agree on the potential impact of this missense change (SIFT: "Deleterious"; PolyPhen-2: "Probably Damaging"; Align-GVGD: "Class C0").